The following is an entry in ClinVar:

ClinVar aggregate classification (germline): Uncertain significance (1 of 4 stars; one submission).

Conditions:
Isovaleryl-CoA dehydrogenase deficiency (IVA). Also called: ISOVALERIC ACID CoA DEHYDROGENASE DEFICIENCY; Isovaleric acidemia; IVD DEFICIENCY; Classic Isovaleric Acidemia. Identifiers: Orphanet 33, MedGen C0268575, MONDO:0009475, OMIM 243500.

Submission:

Labcorp Genetics (formerly Invitae), Labcorp
Classification: Uncertain significance for Isovaleryl-CoA dehydrogenase deficiency. Last evaluated: 2023-05-07. Review status: criteria provided, single submitter. Criteria: Invitae Variant Classification Sherloc (09022015). Collection method: clinical testing. Allele origin: germline.
Comment: This sequence change replaces tyrosine, which is neutral and polar, with histidine, which is basic and polar, at codon 129 of the IVD protein (p.Tyr129His). This variant is not present in population databases (gnomAD no frequency). This missense change has been observed in individual(s) with isovaleric acidemia (Invitae). In at least one individual the data is consistent with being in trans (on the opposite chromosome) from a pathogenic variant. An algorithm developed to predict the effect of missense changes on protein structure and function (PolyPhen-2) suggests that this variant is likely to be disruptive. In summary, the available evidence is currently insufficient to determine the role of this variant in disease. Therefore, it has been classified as a Variant of Uncertain Significance.

NM_002225.5(IVD):c.376T>C (p.Tyr126His)

Gene: IVD (isovaleryl-CoA dehydrogenase; plus strand). Cytogenetic location: 15q15.1.
Variant type: single nucleotide variant.
Coding change: c.376T>C on transcript NM_002225.5 (MANE Select); coding-DNA position 376, T replaced by C.
Protein change: p.Tyr126His; replaces tyrosine 126 with histidine.
Molecular consequence: missense variant. On other transcripts: non-coding transcript variant (1).
Genome position (GRCh38, 1-based): chr15:40,410,717, T>C. VCF-style: chr15-40410717-T-C. GRCh37 (hg19) VCF-style: chr15-40702916-T-C.
Other names: c.286T>C, p.Tyr96His (NM_001159508.3); c.328T>C, p.Tyr110His (NM_001354597.3); c.376T>C, p.Tyr126His (NM_001354598.3, NM_001354601.3); c.463T>C, p.Tyr155His (NM_001354599.3, NM_001354600.3); short protein forms Y110H, Y155H, Y126H, Y96H.
Identifiers: ClinVar variation 2853381 (VCV002853381.3), dbSNP rs12388, ClinGen allele CA268780044.